The following is an entry in ClinVar:

NM_000260.4(MYO7A):c.218T>C (p.Leu73Pro)

Gene: MYO7A (myosin VIIA; plus strand). Cytogenetic location: 11q13.5.
Variant type: single nucleotide variant.
Coding change: c.218T>C on transcript NM_000260.4 (MANE Select); coding-DNA position 218, T replaced by C.
Protein change: p.Leu73Pro; replaces leucine 73 with proline.
Molecular consequence: missense variant.
Genome position (GRCh38, 1-based): chr11:77,147,883, T>C. VCF-style: chr11-77147883-T-C. GRCh37 (hg19) VCF-style: chr11-76858929-T-C.
Other names: c.218T>C, p.Leu73Pro (NM_001127180.2); c.185T>C, p.Leu62Pro (NM_001369365.1); short protein forms L73P, L62P.
Identifiers: ClinVar variation 556446 (VCV000556446.7), dbSNP rs372188355, ClinGen allele CA224821558.

ClinVar aggregate classification (germline): Uncertain significance. Review status: criteria provided, multiple submitters, no conflicts (2 of 4 stars). 5 submissions from 5 submitters: Uncertain significance (2). 3 of the submissions do not count toward it. Last evaluated 2023-09-26.

Conditions:
MYO7A-related disorder. Also called: MYO7A-related disorders.
Autosomal recessive nonsyndromic hearing loss 2. Also called: DEAFNESS, AUTOSOMAL RECESSIVE 2; NEUROSENSORY NONSYNDROMIC RECESSIVE DEAFNESS 2. Identifiers: Orphanet 90636, MedGen C1838701, MONDO:0010807, OMIM 600060.
Usher syndrome type 1 (USH1). Also called: RETINITIS PIGMENTOSA AND CONGENITAL DEAFNESS. Identifiers: Orphanet 231169, Orphanet 886, MedGen C1568247, MONDO:0010168, OMIM 276900.
Usher syndrome type 1B (USH1B). Also called: Usher syndrome type IB. Identifiers: MedGen C1848638, MONDO:0700087.

Allele frequency attached by ClinVar (database versions not stated): TOPMed 0.00002; gnomAD 0.00003; gnomAD exomes 0.00003; ESP Exome Variant Server 0.00016.
gnomAD v4.1: 44 of 1,598,996 alleles (0.0028%); highest among the groups gnomAD compares: Non-Finnish European, 0.0035%; no homozygotes.

Submissions (5):

Women's Health and Genetics/Laboratory Corporation of America, LabCorp
Classification: Uncertain significance. Last evaluated: 2023-09-26. Review status: criteria provided, single submitter. Criteria: LabCorp Variant Classification Summary - May 2015. Collection method: clinical testing. Allele origin: germline.
Comment: Variant summary: MYO7A c.218T>C (p.Leu73Pro) results in a non-conservative amino acid change located in the Myosin head, motor domain (IPR001609) of the encoded protein sequence. Five of five in-silico tools predict a damaging effect of the variant on protein function. The variant allele was found at a frequency of 4.5e-06 in 221926 control chromosomes. The available data on variant occurrences in the general population are insufficient to allow any conclusion about variant significance. c.218T>C has been reported in the literature in at least one compound heterozygous individual affected with autosomal recessive non-syndromic hearing loss (e.g., Sloan-Heggen_2016). To our knowledge, no experimental evidence demonstrating an impact on protein function has been reported. The following publication have been ascertained in the context of this evaluation (PMID: 26969326). Three submitters have cited clinical-significance assessments for this variant to ClinVar after 2014; all submitters classified the variant as uncertain significance. Based on the evidence outlined above, the variant was classified as uncertain significance.

Labcorp Genetics (formerly Invitae), Labcorp
Classification: Uncertain significance. Last evaluated: 2021-09-01. Review status: criteria provided, single submitter. Criteria: Invitae Variant Classification Sherloc (09022015). Collection method: clinical testing. Allele origin: germline.
Comment: This sequence change replaces leucine with proline at codon 73 of the MYO7A protein (p.Leu73Pro). The leucine residue is highly conserved and there is a moderate physicochemical difference between leucine and proline. This variant is not present in population databases (ExAC no frequency). This missense change has been observed in individual(s) with autosomal recessive non-syndromic hearing loss (PMID: 26969326). ClinVar contains an entry for this variant (Variation ID: 556446). Advanced modeling of protein sequence and biophysical properties (such as structural, functional, and spatial information, amino acid conservation, physicochemical variation, residue mobility, and thermodynamic stability) performed at Invitae indicates that this missense variant is expected to disrupt MYO7A protein function. In summary, the available evidence is currently insufficient to determine the role of this variant in disease. Therefore, it has been classified as a Variant of Uncertain Significance.

PreventionGenetics, part of Exact Sciences
Classification: Uncertain significance for MYO7A-related condition. Last evaluated: 2024-05-08. Review status: no assertion criteria provided. Collection method: clinical testing. Allele origin: germline. Not counted in ClinVar's aggregate classification.
Comment: The MYO7A c.218T>C variant is predicted to result in the amino acid substitution p.Leu73Pro. This variant was reported in the heterozygous state along with a known causative MYO7A variant in an individual with childhood-onset non-syndromic hearing loss (Patient #216 in Table S3, Sloan-Heggen et al. 2016. PubMed ID: 26969326). This variant is reported in 0.0079% of alleles in individuals of African descent in gnomAD. At this time, the clinical significance of this variant is uncertain due to the absence of conclusive functional and genetic evidence.

Natera, Inc.
Classification: Uncertain significance for Usher syndrome type 1B. Last evaluated: 2020-07-20. Review status: no assertion criteria provided. Collection method: clinical testing. Allele origin: germline. Not counted in ClinVar's aggregate classification.

Counsyl
Classification: Uncertain significance for Usher syndrome type 1; Autosomal recessive nonsyndromic hearing loss 2. Last evaluated: 2018-01-31. Review status: no assertion criteria provided. Collection method: clinical testing. Allele origin: unknown. Not counted in ClinVar's aggregate classification.

Literature cited by the submitters: PubMed 26969326 (cited by 3 submitters).